The following is an entry in ClinVar:

NM_000245.4(MET):c.4017G>A (p.Ala1339=)

Gene: MET (MET proto-oncogene, receptor tyrosine kinase; plus strand). Cytogenetic location: 7q31.2.
Variant type: single nucleotide variant.
Coding change: c.4017G>A on transcript NM_000245.4 (MANE Select); coding-DNA position 4017, G replaced by A.
Protein change: p.Ala1339=; no amino-acid change (alanine 1339 retained).
Molecular consequence: synonymous variant.
Genome position (GRCh38, 1-based): chr7:116,795,968, G>A. VCF-style: chr7-116795968-G-A. GRCh37 (hg19) VCF-style: chr7-116436022-G-A.
Other names: p.Ala1357=; c.4071G>A, p.Ala1357= (NM_001127500.3); c.2727G>A, p.Ala909= (NM_001324402.2); c.4071G>A (NM_001127500.2); c.4071G>A, p.(=) (LRG_662t1).
Identifiers: ClinVar variation 93575 (VCV000093575.39), dbSNP rs2023748, ClinGen allele CA147092.
Genomic context (GRCh38, chr7:116,795,968, plus strand): 5'-CTGGCACCCTAAAGCCGAAATGCGCCCATCCTTTTCTGAACTGGTGTCCCGGATATCAGC[G>A]ATCTTCTCTACTTTCATTGGGGAGCACTATGTCCATGTGAACGCTACTTATGTGAACGTA-3'
Protein context (NP_000236.2, residues 1329-1349): SFSELVSRIS[Ala1339=]IFSTFIGEHY

ClinVar aggregate classification (germline): Benign. Review status: criteria provided, multiple submitters, no conflicts (2 of 4 stars). 18 submissions from 18 submitters: Benign (14). 4 of the submissions do not count toward it. Last evaluated 2026-02-04.

Conditions:
Renal cell carcinoma. Identifiers: Orphanet 217071, MedGen C0007134, MeSH D002292, MONDO:0005086, HP:0005584.
Papillary renal cell carcinoma type 1 (RCCP1). Also called: RENAL CELL CARCINOMA, PAPILLARY, 1, SOMATIC; Renal adenocarcinoma; Renal cell carcinoma 1; Renal cell carcinoma, somatic. Identifiers: Orphanet 47044, MedGen C1336839, OMIM 605074, HP:0011797.
Hereditary cancer-predisposing syndrome. Also called: Neoplastic Syndromes, Hereditary; Hereditary Cancer Syndrome; Tumor predisposition; Hereditary neoplastic syndrome. Identifiers: Orphanet 140162, MedGen C0027672, MeSH D009386, MONDO:0015356.
Autosomal recessive nonsyndromic hearing loss 97. Also called: Deafness, autosomal recessive 97. Identifiers: Orphanet 90636, MedGen C4084709, MONDO:0014739, OMIM 616705.

Allele frequency attached by ClinVar (database versions not stated): ESP Exome Variant Server 0.32250; gnomAD 0.34017 and 0.34971; TOPMed 0.34496; 1000 Genomes Project 30x 0.34931; 1000 Genomes Project 0.35383.
gnomAD v4.1: 702,847 of 1,613,922 alleles (44%); highest among the groups gnomAD compares: Admixed American, 49%; 158,321 homozygotes.

Submissions (18):

Labcorp Genetics (formerly Invitae), Labcorp
Classification: Benign for Renal cell carcinoma. Last evaluated: 2026-02-04. Review status: criteria provided, single submitter. Criteria: Invitae Variant Classification Sherloc (09022015). Collection method: clinical testing. Allele origin: germline.

Hereditary Cancer Laboratory, Hospital Universitario 12 de Octubre
Classification: Benign for Hereditary cancer-predisposing syndrome. Last evaluated: 2025-01-08. Review status: criteria provided, single submitter. Criteria: ACMG Guidelines, 2015. Collection method: clinical testing. Allele origin: germline.
Comment: BA1+BP6

Blueprint Genetics
Classification: Benign. Last evaluated: 2024-11-27. Review status: criteria provided, single submitter. Criteria: ACMG Guidelines, 2015. Collection method: clinical testing. Allele origin: germline.

Myriad Genetics, Inc.
Classification: Benign for Papillary renal cell carcinoma type 1. Last evaluated: 2024-11-15. Review status: criteria provided, single submitter. Criteria: Myriad Autosomal Dominant, Autosomal Recessive and X-Linked Classification Criteria (2023). Collection method: clinical testing. Allele origin: unknown.
Comment: This variant is considered benign. This variant is a silent/synonymous amino acid change and it is not expected to impact splicing.

KCCC/NGS Laboratory, Kuwait Cancer Control Center
Classification: Benign for Papillary renal cell carcinoma type 1. Last evaluated: 2023-07-07. Review status: criteria provided, single submitter. Criteria: ACMG Guidelines, 2015. Collection method: clinical testing. Allele origin: germline. Affected: yes.

Mayo Clinic Laboratories, Mayo Clinic
Classification: Benign. Last evaluated: 2022-03-10. Review status: criteria provided, single submitter. Criteria: ACMG Guidelines, 2015. Collection method: clinical testing. Allele origin: germline. Observed: 309 variant alleles.

Genome-Nilou Lab
Classification: Benign for Autosomal recessive nonsyndromic hearing loss 97. Last evaluated: 2021-09-05. Review status: criteria provided, single submitter. Criteria: ACMG Guidelines, 2015. Collection method: clinical testing. Allele origin: germline. Affected: no.

Illumina Laboratory Services, Illumina
Classification: Benign for Papillary renal cell carcinoma type 1. Last evaluated: 2018-01-13. Review status: criteria provided, single submitter. Criteria: ICSL Variant Classification Criteria 13 December 2019. Collection method: clinical testing. Allele origin: germline.
Comment: This variant was observed in the ICSL laboratory as part of a predisposition screen in an ostensibly healthy population. It had not been previously curated by ICSL or reported in the Human Gene Mutation Database (HGMD: prior to June 1st, 2018), and was therefore a candidate for classification through an automated scoring system. Utilizing variant allele frequency, disease prevalence and penetrance estimates, and inheritance mode, an automated score was calculated to assess if this variant is too frequent to cause the disease. Based on the score and internal cut-off values, a variant classified as benign is not then subjected to further curation. The score for this variant resulted in a classification of benign for this disease.

Women's Health and Genetics/Laboratory Corporation of America, LabCorp
Classification: Benign. Last evaluated: 2016-08-19. Review status: criteria provided, single submitter. Criteria: LabCorp Variant Classification Summary - May 2015. Collection method: clinical testing. Allele origin: germline.
Comment: Variant summary: The c.4071G>A (p.Ala1357=) in MET gene is a synonymous change that involves a non-conserved nucleotide. 5/5 programs in Alamut predict that this variant does not affect normal splicing, however no functional studies supporting this notion were published at the time of evaluation. The variant is present in the control population dataset of ExAC at frequency of 0.4245 (51253/120730chrs tested) including numerous homozygous occurrences. The variant of interest has not, to our knowledge, been reported in affected individuals via publication but is cited as Benign by reputable databases/clinical laboratories. Taking together, based on the prevalence of this variant in general population the variant was classified as Benign.

GeneDx
Classification: Benign. Last evaluated: 2016-01-19. Review status: criteria provided, single submitter. Criteria: GeneDx Variant Classification (06012015). Collection method: clinical testing. Allele origin: germline. Affected: yes.
Comment: This variant is considered likely benign or benign based on one or more of the following criteria: it is a conservative change, it occurs at a poorly conserved position in the protein, it is predicted to be benign by multiple in silico algorithms, and/or has population frequency not consistent with disease.

Ambry Genetics
Classification: Benign for Hereditary cancer-predisposing syndrome. Last evaluated: 2014-11-19. Review status: criteria provided, single submitter. Criteria: Ambry Variant Classification Scheme 2023. Collection method: clinical testing. Allele origin: germline.

Eurofins Ntd Llc (ga)
Classification: Benign. Last evaluated: 2014-07-30. Review status: criteria provided, single submitter. Criteria: EGL Classification Definitions 2015. Collection method: clinical testing. Allele origin: germline. Observed: 65 variant alleles, 33 heterozygotes, 32 homozygotes.

Breakthrough Genomics
Classification: Benign. Review status: criteria provided, single submitter. Criteria: ACMG Guidelines, 2015. Collection method: not provided. Allele origin: germline. Inheritance: Autosomal recessive inheritance. Affected: yes.

PreventionGenetics, part of Exact Sciences
Classification: Benign. Review status: criteria provided, single submitter. Criteria: ACMG Guidelines, 2015. Collection method: clinical testing. Allele origin: germline.

Clinical Genetics, Academic Medical Center
Classification: Benign. Review status: no assertion criteria provided. Collection method: clinical testing. Allele origin: germline. Affected: yes. Study: VKGL Data-share Consensus. Not counted in ClinVar's aggregate classification.

Diagnostic Laboratory, Department of Genetics, University Medical Center Groningen
Classification: Benign. Review status: no assertion criteria provided. Collection method: clinical testing. Allele origin: germline. Affected: yes. Study: VKGL Data-share Consensus. Not counted in ClinVar's aggregate classification.

Genome Diagnostics Laboratory, University Medical Center Utrecht
Classification: Benign. Review status: no assertion criteria provided. Collection method: clinical testing. Allele origin: germline. Affected: yes. Study: VKGL Data-share Consensus. Not counted in ClinVar's aggregate classification.

Joint Genome Diagnostic Labs from Nijmegen and Maastricht, Radboudumc and MUMC+
Classification: Benign. Review status: no assertion criteria provided. Collection method: clinical testing. Allele origin: germline. Affected: yes. Study: VKGL Data-share Consensus. Not counted in ClinVar's aggregate classification.